The following is an entry in ClinVar:

ClinVar aggregate classification (germline): Likely benign (0 of 4 stars; one submission).

Conditions:
DMRT2-related disorder. Also called: DMRT2-related condition.

Allele frequency attached by ClinVar (database versions not stated): ExAC 0.00049; ESP Exome Variant Server 0.00161; gnomAD 0.00167; 1000 Genomes Project 0.00180; TOPMed 0.00185; 1000 Genomes Project 30x 0.00203.
gnomAD v4.1: 461 of 1,614,082 alleles (0.029%); highest among the groups gnomAD compares: African/African-American, 0.51%; 1 homozygote.

Submission:

PreventionGenetics, part of Exact Sciences
Classification: Likely benign for DMRT2-related condition. Last evaluated: 2021-10-14. Review status: no assertion criteria provided. Collection method: clinical testing. Allele origin: germline.
Comment: This variant is classified as likely benign based on ACMG/AMP sequence variant interpretation guidelines (Richards et al. 2015 PMID: 25741868, with internal and published modifications).

NM_181872.6(DMRT2):c.1187C>T (p.Ser396Leu)

Gene: DMRT2 (doublesex and mab-3 related transcription factor 2; plus strand). Cytogenetic location: 9p24.3.
Variant type: single nucleotide variant.
Coding change: c.1187C>T on transcript NM_181872.6 (MANE Select); coding-DNA position 1187, C replaced by T.
Protein change: p.Ser396Leu; replaces serine 396 with leucine.
Molecular consequence: missense variant. On other transcripts: 3 prime UTR variant (4), non-coding transcript variant (1).
Genome position (GRCh38, 1-based): chr9:1,056,774, C>T. VCF-style: chr9-1056774-C-T. GRCh37 (hg19) VCF-style: chr9-1056774-C-T.
Other names: c.*584C>T (NM_001130865.3, NM_001370533.1, NM_001387557.1); c.665C>T, p.Ser222Leu (NM_001370532.1); c.1187C>T, p.Ser396Leu (NM_001387558.1, NM_001387559.1); c.488C>T, p.Ser163Leu (NM_001387560.1); c.*1000C>T (NM_006557.7); short protein forms S163L, S222L, S396L.
Identifiers: ClinVar variation 3058026 (VCV003058026.2), dbSNP rs142308383, ClinGen allele CA4962558.